The following is an entry in ClinVar:

NM_001375905.1(SGMS2):c.696G>A (p.Thr232=)

Genes: CYP2U1-AS1 (CYP2U1 and SGMS2 antisense RNA 1; minus strand), SGMS2 (sphingomyelin synthase 2; plus strand). Cytogenetic location: 4q25.
Variant type: single nucleotide variant.
Coding change: c.696G>A on transcript NM_001375905.1 (MANE Select); coding-DNA position 696, G replaced by A.
Protein change: p.Thr232=; no amino-acid change (threonine 232 retained).
Molecular consequence: synonymous variant.
Genome position (GRCh38, 1-based): chr4:107,903,355, G>A. VCF-style: chr4-107903355-G-A. GRCh37 (hg19) VCF-style: chr4-108824511-G-A.
Other names: c.696G>A, p.Thr232= (NM_001136257.2, NM_001136258.2, NM_001375906.1 and 4 more transcripts); c.177G>A, p.Thr59= (NM_001375911.1); c.696G>A (NM_001136258.1).
Identifiers: ClinVar variation 776009 (VCV000776009.12), dbSNP rs9998850, ClinGen allele CA3036838.

ClinVar aggregate classification (germline): Benign. Review status: criteria provided, multiple submitters, no conflicts (2 of 4 stars). 3 submissions from 3 submitters: Benign (2). 1 of the submissions does not count toward it. Last evaluated 2026-01-27.

Conditions:
SGMS2-related disorder. Also called: SGMS2-related condition.

Allele frequency attached by ClinVar (database versions not stated): gnomAD exomes 0.00099 and 0.00245; ExAC 0.00299; gnomAD 0.01001 and 0.01076; TOPMed 0.01128; 1000 Genomes Project 30x 0.01187; 1000 Genomes Project 0.01198; ESP Exome Variant Server 0.01307.

Submissions (3):

Labcorp Genetics (formerly Invitae), Labcorp
Classification: Benign. Last evaluated: 2026-01-27. Review status: criteria provided, single submitter. Criteria: Invitae Variant Classification Sherloc (09022015). Collection method: clinical testing. Allele origin: germline.

Breakthrough Genomics
Classification: Benign. Review status: criteria provided, single submitter. Criteria: ACMG Guidelines, 2015. Collection method: not provided. Allele origin: germline. Inheritance: Autosomal dominant inheritance. Affected: yes.

PreventionGenetics, part of Exact Sciences
Classification: Benign for SGMS2-related condition. Last evaluated: 2020-01-02. Review status: no assertion criteria provided. Collection method: clinical testing. Allele origin: germline. Not counted in ClinVar's aggregate classification.
Comment: This variant is classified as benign based on ACMG/AMP sequence variant interpretation guidelines (Richards et al. 2015 PMID: 25741868, with internal and published modifications).